The following is an entry in ClinVar:

ClinVar aggregate classification (germline): Pathogenic (1 of 4 stars; one submission).

Conditions:
Hereditary cancer-predisposing syndrome. Also called: Tumor predisposition; Hereditary neoplastic syndrome; Hereditary Cancer Syndrome; Neoplastic Syndromes, Hereditary. Identifiers: Orphanet 140162, MedGen C0027672, MeSH D009386, MONDO:0015356.

Submission:

Ambry Genetics
Classification: Pathogenic for Hereditary cancer-predisposing syndrome. Last evaluated: 2024-02-12. Review status: criteria provided, single submitter. Criteria: Ambry Variant Classification Scheme 2023. Collection method: clinical testing. Allele origin: germline.
Comment: The c.1157delT pathogenic mutation, located in coding exon 10 of the NBN gene, results from a deletion of one nucleotide at nucleotide position 1157, causing a translational frameshift with a predicted alternate stop codon (p.V386Afs*18). This alteration is expected to result in loss of function by premature protein truncation or nonsense-mediated mRNA decay. As such, this alteration is interpreted as a disease-causing mutation.

NM_002485.5(NBN):c.1157del (p.Val386fs)

Gene: NBN (nibrin; minus strand). Cytogenetic location: 8q21.3.
Variant type: Deletion.
Coding change: c.1157del on transcript NM_002485.5 (MANE Select); coding-DNA position 1157, one base deleted (T; older notation c.1157delT).
Protein change: p.Val386fs; shifts the reading frame from valine 386.
Molecular consequence: frameshift variant.
Genome position (GRCh38, 1-based): chr8:89,955,523, A deleted on the plus strand (T on the coding strand, the reverse complement: NBN is on the minus strand). VCF-style (leftmost placement, unchanged base first): chr8-89955522-GA-G. GRCh37 (hg19) VCF-style: chr8-90967750-GA-G.
Other names: c.911del, p.Val304fs (NM_001024688.3); short protein forms V304fs, V386fs.
Identifiers: ClinVar variation 3222403 (VCV003222403.1), dbSNP rs2488245534, ClinGen allele CA2825001599.